The following is an entry in ClinVar:

ClinVar aggregate classification (germline): Uncertain significance (1 of 4 stars; one submission).

Conditions:
Combined immunodeficiency due to DOCK8 deficiency (HIES2). Also called: HIES autosomal recessive; Hyper-IgE recurrent infection syndrome, autosomal recessive; DOCK8 Deficiency; HYPER-IgE SYNDROME 2, AUTOSOMAL RECESSIVE, WITH RECURRENT INFECTIONS; HYPER-IgE RECURRENT INFECTION SYNDROME 2, AUTOSOMAL RECESSIVE. Identifiers: Orphanet 217390, MedGen C4722305, MONDO:0009478, OMIM 243700.

Allele frequency attached by ClinVar (database versions not stated): gnomAD 0.00001; gnomAD exomes 0.00001; TOPMed 0.00001.
gnomAD v4.1: 6 of 1,613,864 alleles (0.00037%); highest among the groups gnomAD compares: African/African-American, 0.0013%; no homozygotes.

Submission:

Labcorp Genetics (formerly Invitae), Labcorp
Classification: Uncertain significance for Combined immunodeficiency due to DOCK8 deficiency. Last evaluated: 2025-01-27. Review status: criteria provided, single submitter. Criteria: Invitae Variant Classification Sherloc (09022015). Collection method: clinical testing. Allele origin: germline.
Comment: This sequence change replaces isoleucine, which is neutral and non-polar, with valine, which is neutral and non-polar, at codon 268 of the DOCK8 protein (p.Ile268Val). This variant is not present in population databases (gnomAD no frequency). This variant has not been reported in the literature in individuals affected with DOCK8-related conditions. ClinVar contains an entry for this variant (Variation ID: 2716971). Invitae Evidence Modeling of protein sequence and biophysical properties (such as structural, functional, and spatial information, amino acid conservation, physicochemical variation, residue mobility, and thermodynamic stability) indicates that this missense variant is not expected to disrupt DOCK8 protein function with a negative predictive value of 80%. In summary, the available evidence is currently insufficient to determine the role of this variant in disease. Therefore, it has been classified as a Variant of Uncertain Significance.

NM_203447.4(DOCK8):c.802A>G (p.Ile268Val)

Gene: DOCK8 (dedicator of cytokinesis 8; plus strand). Cytogenetic location: 9p24.3.
Variant type: single nucleotide variant.
Coding change: c.802A>G on transcript NM_203447.4 (MANE Select); coding-DNA position 802, A replaced by G.
Protein change: p.Ile268Val; replaces isoleucine 268 with valine.
Molecular consequence: missense variant.
Genome position (GRCh38, 1-based): chr9:317,103, A>G. VCF-style: chr9-317103-A-G. GRCh37 (hg19) VCF-style: chr9-317103-A-G.
Other names: c.598A>G, p.Ile200Val (NM_001190458.2, NM_001193536.2); short protein forms I200V, I268V.
Identifiers: ClinVar variation 2716971 (VCV002716971.3), dbSNP rs1338659907, ClinGen allele CA372761920.